The following is an entry in ClinVar:

ClinVar aggregate classification (germline): Uncertain significance (1 of 4 stars; one submission).

Conditions:
Bethlem myopathy 1A. Also called: Bethlem myopathy 1; Bethlem Muscular Dystrophy; MYOPATHY, BENIGN CONGENITAL, WITH CONTRACTURES. Identifiers: Orphanet 610, MedGen CN029274, MONDO:0024530, OMIM 158810.

Allele frequency attached by ClinVar (database versions not stated): gnomAD 0.00001; TOPMed 0.00001.

Submission:

Labcorp Genetics (formerly Invitae), Labcorp
Classification: Uncertain significance for Bethlem myopathy 1A. Last evaluated: 2023-05-23. Review status: criteria provided, single submitter. Criteria: Invitae Variant Classification Sherloc (09022015). Collection method: clinical testing. Allele origin: germline.
Comment: In summary, the available evidence is currently insufficient to determine the role of this variant in disease. Therefore, it has been classified as a Variant of Uncertain Significance. Advanced modeling of protein sequence and biophysical properties (such as structural, functional, and spatial information, amino acid conservation, physicochemical variation, residue mobility, and thermodynamic stability) performed at Invitae indicates that this missense variant is not expected to disrupt COL6A2 protein function. This variant has not been reported in the literature in individuals affected with COL6A2-related conditions. This variant is not present in population databases (gnomAD no frequency). This sequence change replaces arginine, which is basic and polar, with glycine, which is neutral and non-polar, at codon 933 of the COL6A2 protein (p.Arg933Gly).

NM_001849.4(COL6A2):c.2797C>G (p.Arg933Gly)

Gene: COL6A2 (collagen type VI alpha 2 chain; plus strand). Cytogenetic location: 21q22.3.
Variant type: single nucleotide variant.
Coding change: c.2797C>G on transcript NM_001849.4 (MANE Select); coding-DNA position 2797, C replaced by G.
Protein change: p.Arg933Gly; replaces arginine 933 with glycine.
Molecular consequence: missense variant.
Genome position (GRCh38, 1-based): chr21:46,132,289, C>G. VCF-style: chr21-46132289-C-G. GRCh37 (hg19) VCF-style: chr21-47552203-C-G.
Other names: short protein forms R933G.
Identifiers: ClinVar variation 2721257 (VCV002721257.3), dbSNP rs1321329142, ClinGen allele CA410549757.